The following is an entry in ClinVar:

ClinVar aggregate classification (germline): Uncertain significance. Review status: criteria provided, multiple submitters, no conflicts (2 of 4 stars). 2 submissions from 2 submitters: Uncertain significance (2). Last evaluated 2025-04-21.

Conditions:
Inborn genetic diseases. Identifiers: MedGen C0950123, MeSH D030342.
Primary ciliary dyskinesia. Also called: Ciliary dyskinesia. Identifiers: Orphanet 244, MedGen C0008780, MONDO:0016575, HP:0012265.

Allele frequency attached by ClinVar (database versions not stated): gnomAD exomes 0.00002; ExAC 0.00003; ESP Exome Variant Server 0.00008; TOPMed 0.00008; gnomAD 0.00013.
gnomAD v4.1: 58 of 1,612,172 alleles (0.0036%); highest among the groups gnomAD compares: African/African-American, 0.046%; no homozygotes.

Submissions (2):

Ambry Genetics
Classification: Uncertain significance for Inborn genetic diseases. Last evaluated: 2025-04-21. Review status: criteria provided, single submitter. Criteria: Ambry Variant Classification Scheme 2023. Collection method: clinical testing. Allele origin: germline.

Labcorp Genetics (formerly Invitae), Labcorp
Classification: Uncertain significance for Primary ciliary dyskinesia. Last evaluated: 2025-01-01. Review status: criteria provided, single submitter. Criteria: Invitae Variant Classification Sherloc (09022015). Collection method: clinical testing. Allele origin: germline.
Comment: This sequence change replaces valine, which is neutral and non-polar, with isoleucine, which is neutral and non-polar, at codon 273 of the RSPH1 protein (p.Val273Ile). This variant is present in population databases (rs374702500, gnomAD 0.03%). This missense change has been observed in individual(s) with suspicion of primary ciliary dyskinesia (internal data). In at least one individual the data is consistent with being in trans (on the opposite chromosome) from a pathogenic variant. ClinVar contains an entry for this variant (Variation ID: 664835). An algorithm developed to predict the effect of missense changes on protein structure and function outputs the following: PolyPhen-2: "Benign". The isoleucine amino acid residue is found in multiple mammalian species, which suggests that this missense change does not adversely affect protein function. In summary, the available evidence is currently insufficient to determine the role of this variant in disease. Therefore, it has been classified as a Variant of Uncertain Significance.

NM_080860.4(RSPH1):c.817G>A (p.Val273Ile)

Gene: RSPH1 (radial spoke head component 1; minus strand). Cytogenetic location: 21q22.3.
Variant type: single nucleotide variant.
Coding change: c.817G>A on transcript NM_080860.4 (MANE Select); coding-DNA position 817, G replaced by A.
Protein change: p.Val273Ile; replaces valine 273 with isoleucine.
Molecular consequence: missense variant.
Genome position (GRCh38, 1-based): chr21:42,475,958, C>T on the plus strand (G>A on the coding strand, the complement: RSPH1 is on the minus strand). VCF-style: chr21-42475958-C-T. GRCh37 (hg19) VCF-style: chr21-43896068-C-T.
Other names: c.703G>A, p.Val235Ile (NM_001286506.2); c.817G>A (NM_080860.2); short protein forms V235I, V273I.
Identifiers: ClinVar variation 664835 (VCV000664835.8), dbSNP rs374702500, ClinGen allele CA10043739.